The following is an entry in ClinVar:

ClinVar aggregate classification (germline): Conflicting classifications of pathogenicity. Review status: criteria provided, conflicting classifications (1 of 4 stars). 2 submissions from 2 submitters: Pathogenic (1); Uncertain significance (1). Last evaluated 2024-03-29.

Conditions:
Lafora disease. Also called: Epilepsy progressive myoclonic 2; Progressive Myoclonus Epilepsy, Lafora Type. Identifiers: Orphanet 501, MedGen C0751783, MONDO:0009697.
Progressive myoclonic epilepsy. Also called: Myoclonic Epilepsies, Progressive; Familial progressive myoclonic epilepsy; Myoclonus epilepsy; Progressive myoclonus epilepsy. Identifiers: Orphanet 308, Orphanet 98261, MedGen C0751778, MONDO:0020074.

gnomAD v4.1: 2 of 1,519,690 alleles (0.00013%); highest among the groups gnomAD compares: South Asian, 0.0024%; no homozygotes.

Submissions (2):

Broad Center for Mendelian Genomics, Broad Institute of MIT and Harvard
Classification: Uncertain significance for Lafora disease. Last evaluated: 2024-03-29. Review status: criteria provided, single submitter. Criteria: ACMG Guidelines, 2015. Collection method: research. Allele origin: unknown. Inheritance: Autosomal recessive inheritance.
Comment: The p.Glu100Ter (c.298G>T) variant in EPM2A has not been previously reported in the literature in individuals with Lafora disease, but has been identified in 0.003% (2/77116) of South Asian chromosomes by the Genome Aggregation Database (gnomAD; dbSNP ID: rs1454552122). Although this variant has been seen in the general population in a heterozygous state, its frequency is low enough to be consistent with a recessive carrier frequency. This variant has also been reported in ClinVar (Variation ID: 2000259) and has been interpreted as pathogenic by Invitae. Please note that 2 individuals in gnomAD have this change in phase with an additional nucleotide change (c.299A>T; p.Glu100Val), resulting in a multinucleotide variant p.Glu100Lys. In summary, the clinical significance of the p.Glu100Ter variant is uncertain. ACMG/AMP Criteria applied: PM2_supporting (Richards 2015).

Labcorp Genetics (formerly Invitae), Labcorp
Classification: Pathogenic for Progressive myoclonic epilepsy. Last evaluated: 2022-05-29. Review status: criteria provided, single submitter. Criteria: Invitae Variant Classification Sherloc (09022015). Collection method: clinical testing. Allele origin: germline.
Comment: This sequence change creates a premature translational stop signal (p.Glu100*) in the EPM2A gene. It is expected to result in an absent or disrupted protein product. Loss-of-function variants in EPM2A are known to be pathogenic (PMID: 20738377). The frequency data for this variant in the population databases is considered unreliable, as metrics indicate poor data quality at this position in the gnomAD database. This variant has not been reported in the literature in individuals affected with EPM2A-related conditions. Algorithms developed to predict the effect of sequence changes on RNA splicing suggest that this variant may disrupt the consensus splice site. For these reasons, this variant has been classified as Pathogenic.

Literature cited by the submitters: PubMed 20738377 (cited by Labcorp Genetics (formerly Invitae), Labcorp).

NM_005670.4(EPM2A):c.298G>T (p.Glu100Ter)

Genes: EPM2A (EPM2A glucan phosphatase, laforin; minus strand), EPM2A-DT (EPM2A divergent transcript; plus strand), LOC129997381 (ATAC-STARR-seq lymphoblastoid silent region 17642; plus strand). Cytogenetic location: 6q24.3.
Variant type: single nucleotide variant.
Coding change: c.298G>T on transcript NM_005670.4 (MANE Select); coding-DNA position 298, G replaced by T.
Protein change: p.Glu100Ter; replaces glutamic acid 100 with a stop codon.
Molecular consequence: nonsense. On other transcripts: 5 prime UTR variant (2), intron variant (2).
Genome position (GRCh38, 1-based): chr6:145,735,201, C>A on the plus strand (G>T on the coding strand, the complement: EPM2A is on the minus strand). VCF-style: chr6-145735201-C-A. GRCh37 (hg19) VCF-style: chr6-146056337-C-A.
Other names: c.298G>T, p.Glu100Ter (NM_001018041.2, NM_001360057.2, NM_001368130.1); c.-372G>T (NM_001360071.2); c.-326G>T (NM_001368129.2); c.-114+707G>T (NM_001360064.2); c.-114+44G>T (NM_001368131.1); short protein forms E100*.
Identifiers: ClinVar variation 2000259 (VCV002000259.5), dbSNP rs1454552122, ClinGen allele CA366187840.